The following is an entry in ClinVar:

ClinVar aggregate classification (germline): Uncertain significance (1 of 4 stars; one submission).

Submission:

GeneDx
Classification: Uncertain significance. Last evaluated: 2024-02-16. Review status: criteria provided, single submitter. Criteria: GeneDx Variant Classification Process June 2021. Collection method: clinical testing. Allele origin: germline. Affected: yes.
Comment: Not observed at significant frequency in large population cohorts (gnomAD); In silico analysis supports that this missense variant has a deleterious effect on protein structure/function; Has not been previously published as pathogenic or benign to our knowledge

NM_001830.4(CLCN4):c.1096G>A (p.Gly366Arg)

Gene: CLCN4 (chloride voltage-gated channel 4; plus strand). Cytogenetic location: Xp22.2.
Variant type: single nucleotide variant.
Coding change: c.1096G>A on transcript NM_001830.4 (MANE Select); coding-DNA position 1096, G replaced by A.
Protein change: p.Gly366Arg; replaces glycine 366 with arginine.
Molecular consequence: missense variant.
Genome position (GRCh38, 1-based): chrX:10,208,297, G>A. VCF-style: chrX-10208297-G-A. GRCh37 (hg19) VCF-style: chrX-10176337-G-A.
Other names: c.814G>A, p.Gly272Arg (NM_001256944.2); short protein forms G272R, G366R.
Identifiers: ClinVar variation 3369376 (VCV003369376.1).
Genomic context (GRCh38, chrX:10,208,297, plus strand): 5'-GGAACCCTCTTCATCCGCTGCAACATCGCCTGGTGCAGGAGGCGCAAGACCACCAGGCTG[G>A]GGAAGTACCCGGTGCTGGAGGTCATTGTGGTGACTGCCATCACTGCCATCATTGCCTACC-3'
Protein context (NP_001821.2, residues 356-376): WCRRRKTTRL[Gly366Arg]KYPVLEVIVV